The following is an entry in ClinVar:

NM_172351.3(CD46):c.104G>A (p.Cys35Tyr)

Gene: CD46 (CD46 molecule; plus strand). Cytogenetic location: 1q32.2.
Variant type: single nucleotide variant.
Coding change: c.104G>A on transcript NM_172351.3 (MANE Select); coding-DNA position 104, G replaced by A.
Protein change: p.Cys35Tyr; replaces cysteine 35 with tyrosine.
Molecular consequence: missense variant.
Genome position (GRCh38, 1-based): chr1:207,757,020, G>A. VCF-style: chr1-207757020-G-A. GRCh37 (hg19) VCF-style: chr1-207930365-G-A.
Other names: C1Y; c.104G>A, p.Cys35Tyr (NM_002389.4, NM_153826.4, NM_172350.3 and 9 more transcripts); short protein forms C35Y.
Identifiers: ClinVar variation 17049 (VCV000017049.14), dbSNP rs121909591, ClinGen allele CA257689.

ClinVar aggregate classification (germline): Conflicting classifications of pathogenicity. Review status: criteria provided, conflicting classifications (1 of 4 stars). 8 submissions from 8 submitters: Pathogenic (2); Likely pathogenic (2); Uncertain significance (3). 1 of the submissions does not count toward it. Last evaluated 2026-09-17.

Conditions:
Atypical hemolytic-uremic syndrome. Identifiers: Orphanet 2134, MedGen C2931788, MONDO:0016244.
Atypical hemolytic-uremic syndrome with MCP/CD46 anomaly. Also called: HEMOLYTIC UREMIC SYNDROME, ATYPICAL, SUSCEPTIBILITY TO, 2; AHUS, SUSCEPTIBILITY TO, 2. Identifiers: Orphanet 2134, MedGen C2752040, MONDO:0013040, OMIM 612922.

Allele frequency attached by ClinVar (database versions not stated): gnomAD 0.00001; gnomAD exomes 0.00001; TOPMed 0.00001; ExAC 0.00001.
gnomAD v4.1: 11 of 1,613,506 alleles (0.00068%); highest among the groups gnomAD compares: Middle Eastern, 0.016%; no homozygotes.

Submissions (8):

Genomenon, Inc
Classification: Pathogenic for Atypical hemolytic-uremic syndrome. Last evaluated: 2026-09-17. Review status: criteria provided, single submitter. Criteria: Genomenon Sequence Variant Interpretation Standards - Updated. Collection method: curation. Allele origin: germline. Affected: yes.
Comment: CD46 p.Cys35Tyr (c.104G>A) is a missense variant that changes the amino acid at codon 35 from cysteine to tyrosine. This variant has been observed in at least one proband affected with atypical hemolytic-uremic syndrome (PMID:23307876;16621965;35372954;20059470;20203157;26054779;30194615;28320387;24460647). The variant was found to segregate with disease in at least one affected family (PMID:16621965). At least one functional study has demonstrated a substantial alteration in protein function relative to the wild-type (PMID:16621965). It is absent or not present at a significant frequency in gnomAD. In silico models predict that this variant is possibly or probably damaging. In conclusion, we classify CD46 p.Cys35Tyr (c.104G>A) as a pathogenic variant.

Mayo Clinic Laboratories, Mayo Clinic
Classification: Uncertain significance. Last evaluated: 2025-08-21. Review status: criteria provided, single submitter. Criteria: ACMG Guidelines, 2015. Collection method: clinical testing. Allele origin: germline. Observed: 1 variant allele.
Comment: PP3_moderate, PS3_supporting

3billion
Classification: Likely pathogenic for Atypical hemolytic-uremic syndrome with MCP/CD46 anomaly. Last evaluated: 2025-01-17. Review status: criteria provided, single submitter. Criteria: ACMG Guidelines, 2015. Collection method: clinical testing. Allele origin: germline. Affected: yes.
Comment: The variant is observed at an extremely low frequency in the gnomAD v4.1.0 dataset (total allele frequency: <0.001%). Predicted Consequence/Location: Missense variant. The majority of the known disease-causing variants of this gene are variants expected to result in premature termination of the protein. Functional studies provide moderate evidence of the variant having a damaging effect on the gene or gene product (PMID: 16621965). In silico tool predictions suggest damaging effect of the variant on gene or gene product [REVEL: 0.88 (>=0.6, sensitivity 0.68 and specificity 0.92); 3Cnet: 0.99 (>=0.6, sensitivity 0.72 and precision 0.9)]. The same nucleotide change resulting in the same amino acid change has been previously reported as pathogenic/likely pathogenic with strong evidence (ClinVar ID: VCV000017049 /PMID: 16621965 /3billion dataset). Therefore, this variant is classified as Likely pathogenic according to the recommendation of ACMG/AMP guideline.

Labcorp Genetics (formerly Invitae), Labcorp
Classification: Uncertain significance. Last evaluated: 2024-06-01. Review status: criteria provided, single submitter. Criteria: Invitae Variant Classification Sherloc (09022015). Collection method: clinical testing. Allele origin: germline.
Comment: This sequence change replaces cysteine, which is neutral and slightly polar, with tyrosine, which is neutral and polar, at codon 35 of the CD46 protein (p.Cys35Tyr). This variant is present in population databases (rs121909591, gnomAD 0.007%). This missense change has been observed in individual(s) with atypical hemolytic uremic syndrome (PMID: 2431077, 16621965, 24460647). This variant is also known as p.C1Y. ClinVar contains an entry for this variant (Variation ID: 17049). Advanced modeling of protein sequence and biophysical properties (such as structural, functional, and spatial information, amino acid conservation, physicochemical variation, residue mobility, and thermodynamic stability) performed at Invitae indicates that this missense variant is expected to disrupt CD46 protein function with a positive predictive value of 80%. Studies have shown that this missense change alters CD46 gene expression (PMID: 16621965). In summary, the available evidence is currently insufficient to determine the role of this variant in disease. Therefore, it has been classified as a Variant of Uncertain Significance.

Women's Health and Genetics/Laboratory Corporation of America, LabCorp
Classification: Uncertain significance. Last evaluated: 2024-03-04. Review status: criteria provided, single submitter. Criteria: LabCorp Variant Classification Summary - May 2015. Collection method: clinical testing. Allele origin: germline.
Comment: Variant summary: CD46 c.104G>A (p.Cys35Tyr) results in a non-conservative amino acid change located in the Sushi/SCR/CCP domain (IPR000436) of the encoded protein sequence. Five of five in-silico tools predict a damaging effect of the variant on protein function. The variant allele was found at a frequency of 1.2e-05 in 251344 control chromosomes (gnomAD). c.104G>A has been reported in the literature in individuals affected with Atypical Hemolytic Uremic Syndrome who were compound heterozygous with a pathogenic CD46 variant and/or carried variants in CFH that ClinVar submitters have classified as pathogenic/likely pathogenic (e.g. Caprioli_2006, Bresin_2013, Stevenson_2014). It was also found in a homozygous case (Khandelwal_2018). These data indicate that the variant may be associated with disease. At least one publication reports experimental evidence evaluating an impact on protein expression, finding that the variant results in a loss of expression of the mature form of the protein (Caprioli_2006). The following publications have been ascertained in the context of this evaluation (PMID: 16621965, 23431077, 24460647, 35372954, 29644059, 28752844, 29046944). ClinVar contains an entry for this variant (Variation ID: 17049). Based on the evidence outlined above, the variant was classified as VUS-possibly pathogenic.

MVZ Medizinische Genetik Mainz
Classification: Pathogenic for Atypical hemolytic-uremic syndrome with MCP/CD46 anomaly. Last evaluated: 2024-02-06. Review status: criteria provided, single submitter. Criteria: UK Practice Guidelines For Variant Classification V4 01 2020. Collection method: clinical testing. Allele origin: germline. Inheritance: Autosomal dominant inheritance. Affected: yes. Observed: 1 variant allele.

Juno Genomics, Hangzhou Juno Genomics, Inc
Classification: Likely pathogenic for Atypical hemolytic-uremic syndrome with MCP/CD46 anomaly. Review status: criteria provided, single submitter. Criteria: ACMG Guidelines, 2015. Collection method: clinical testing. Allele origin: germline.
Comment: Absent from controls (or at extremely low frequency if recessive) in Genome Aggregation Database.;Co-segregation with disease in multiple affected family members.;For recessive disorders, detected in trans with a pathogenic variant.;Well-established in vitro or in vivo functional studies supportive of a damaging effect on the gene or gene product.;The prevalence of the variant in affected individuals is significantly increased compared to the prevalence in controls.

OMIM
Classification: risk factor for HEMOLYTIC UREMIC SYNDROME, ATYPICAL, SUSCEPTIBILITY TO, 2. Last evaluated: 2006-08-15. Review status: no assertion criteria provided. Collection method: literature only. Allele origin: germline. Not counted in ClinVar's aggregate classification.

Literature cited by the submitters: PubMed 23307876 (cited by Genomenon, Inc); PubMed 16621965 (cited by 6 submitters); PubMed 35372954 (cited by 3 submitters); PubMed 20059470 (cited by Genomenon, Inc); PubMed 20203157 (cited by Genomenon, Inc); PubMed 26054779 (cited by Genomenon, Inc); PubMed 30194615 (cited by Genomenon, Inc); PubMed 28320387 (cited by Genomenon, Inc); PubMed 24460647 (cited by 4 submitters); PubMed 23431077 (cited by Mayo Clinic Laboratories, Mayo Clinic and Women's Health and Genetics/Laboratory Corporation of America, LabCorp); PubMed 34169201 (cited by Mayo Clinic Laboratories, Mayo Clinic); PubMed 37369098 (cited by Mayo Clinic Laboratories, Mayo Clinic); PubMed 2431077 (cited by Labcorp Genetics (formerly Invitae), Labcorp); PubMed 28752844 (cited by Women's Health and Genetics/Laboratory Corporation of America, LabCorp); PubMed 29046944 (cited by Women's Health and Genetics/Laboratory Corporation of America, LabCorp); PubMed 29644059 (cited by Women's Health and Genetics/Laboratory Corporation of America, LabCorp).